The following is an entry in ClinVar:

ClinVar aggregate classification (germline): Pathogenic (1 of 4 stars; one submission).

Submission:

Labcorp Genetics (formerly Invitae), Labcorp
Classification: Pathogenic. Last evaluated: 2022-12-11. Review status: criteria provided, single submitter. Criteria: Invitae Variant Classification Sherloc (09022015). Collection method: clinical testing. Allele origin: germline.
Comment: For these reasons, this variant has been classified as Pathogenic. This sequence change creates a premature translational stop signal (p.Asp1541Thrfs*169) in the COL7A1 gene. It is expected to result in an absent or disrupted protein product. Loss-of-function variants in COL7A1 are known to be pathogenic (PMID: 16971478). This variant is present in population databases (no rsID available, gnomAD 0.007%). This variant has not been reported in the literature in individuals affected with COL7A1-related conditions. ClinVar contains an entry for this variant (Variation ID: 1074194).

Literature cited by the submitters: PubMed 16971478.

NM_000094.4(COL7A1):c.4621del (p.Asp1541fs)

Gene: COL7A1 (collagen type VII alpha 1 chain; minus strand). Cytogenetic location: 3p21.31.
Variant type: Deletion.
Coding change: c.4621del on transcript NM_000094.4 (MANE Select); coding-DNA position 4621, one base deleted (G; older notation c.4621delG).
Protein change: p.Asp1541fs; shifts the reading frame from aspartic acid 1541.
Molecular consequence: frameshift variant.
Genome position (GRCh38, 1-based): chr3:48,582,337, C deleted on the plus strand (G on the coding strand, the reverse complement: COL7A1 is on the minus strand); the first of 4 consecutive C bases (chr3:48,582,337-48,582,340); deleting any one gives the same sequence. VCF-style (leftmost placement, unchanged base first): chr3-48582336-TC-T. GRCh37 (hg19) VCF-style: chr3-48619769-TC-T.
Other names: short protein forms D1541fs.
Identifiers: ClinVar variation 1074194 (VCV001074194.5), dbSNP rs1272238711, ClinGen allele CA542792200.
Genomic context (GRCh38, chr3:48,582,336, plus strand): 5'-GCTCAAGGGCTGTGCTGTGCTCAGAGCGCCATCCTCCCGTCACTCACCACCACTGCAGGG[TC>T]CCCAGGGCGACCAGGCTCCCCCTGTGGAGAGAGGATAGGAGCAGGGACAGGTCAGGGAGT-3'